The following is an entry in ClinVar:

ClinVar aggregate classification (germline): Uncertain significance. Review status: criteria provided, multiple submitters, no conflicts (2 of 4 stars). 4 submissions from 4 submitters: Uncertain significance (4). Last evaluated 2025-12-13.

Conditions:
Marfan syndrome (MFS). Also called: Marfan syndrome, classic; Marfan syndrome type 1; Marfan's syndrome; FBN1-Related Marfan Syndrome; MARFAN SYNDROME, TYPE I. Identifiers: Orphanet 284963, Orphanet 558, MedGen C0024796, MONDO:0007947, OMIM 154700.
Familial thoracic aortic aneurysm and aortic dissection (TAAD). Also called: Thoracic aortic aneurysms and dissections. Identifiers: Orphanet 91387, MedGen C4707243, MONDO:0019625.

Allele frequency attached by ClinVar (database versions not stated): gnomAD exomes below 0.00001.
gnomAD v4.1: 3 of 1,613,414 alleles (0.00019%); highest among the groups gnomAD compares: Non-Finnish European, 0.00025%; no homozygotes.

Submissions (4):

Labcorp Genetics (formerly Invitae), Labcorp
Classification: Uncertain significance for Marfan syndrome; Familial thoracic aortic aneurysm and aortic dissection. Last evaluated: 2025-12-13. Review status: criteria provided, single submitter. Criteria: Invitae Variant Classification Sherloc (09022015). Collection method: clinical testing. Allele origin: germline.
Comment: This sequence change replaces threonine, which is neutral and polar, with isoleucine, which is neutral and non-polar, at codon 1908 of the FBN1 protein (p.Thr1908Ile). This variant is present in population databases (no rsID available, gnomAD 0.0009%). This missense change has been observed in individual(s) with clinical features of FBN1-related conditions (PMID: 12402346, 22772377, 31211626). ClinVar contains an entry for this variant (Variation ID: 922756). Invitae Evidence Modeling of protein sequence and biophysical properties (such as structural, functional, and spatial information, amino acid conservation, physicochemical variation, residue mobility, and thermodynamic stability) indicates that this missense variant is expected to disrupt FBN1 protein function with a positive predictive value of 95%. In summary, the available evidence is currently insufficient to determine the role of this variant in disease. Therefore, it has been classified as a Variant of Uncertain Significance.

All of Us Research Program, National Institutes of Health
Classification: Uncertain significance for Marfan syndrome. Last evaluated: 2024-01-11. Review status: criteria provided, single submitter. Criteria: ACMG Guidelines, 2015. Collection method: clinical testing. Allele origin: germline. Inheritance: Autosomal dominant inheritance. Observed: 2 variant alleles, 2 heterozygotes.
Comment: This missense variant replaces threonine with isoleucine at codon 1908 of the FBN1 protein. Computational prediction suggests that this variant may have deleterious impact on protein structure and function (internally defined REVEL score threshold >= 0.7, PMID: 27666373). To our knowledge, functional studies have not been reported for this variant. This variant has been reported in an individual affected with atypical Marfan syndrome, who had marfanoid facial appearance but no skeletal or ocular features (PMID: 12402346). Cardiological examination of this patient revealed mitral valve prolapse with regurgitation. This variant has been identified in 1/251042 chromosomes in the general population by the Genome Aggregation Database (gnomAD). The available evidence is insufficient to determine the role of this variant in disease conclusively. Therefore, this variant is classified as a Variant of Uncertain Significance.

This study involves interpretation of variants in research participants for the purpose of population health screening. Participant phenotype was not available at the time of variant classification. Additional details can be found in publication PMID: 35346344, PMCID: PMC8962531

GeneDx
Classification: Uncertain significance. Last evaluated: 2023-03-01. Review status: criteria provided, single submitter. Criteria: GeneDx Variant Classification Process June 2021. Collection method: clinical testing. Allele origin: germline. Affected: yes.
Comment: Reported in individuals with a Marfan-related phenotype, although familial segregation information was not provided and it is unknown whether these individuals were screened for variants in other genes associated with connective tissue disorders (Rommel et al., 2002; Damrauer, et al., 2019); Not observed at significant frequency in large population cohorts (gnomAD); Although located in a calcium-binding EGF-like domain of the FBN1 gene, it does not affect a cysteine residue within this domain; cysteine substitutions in the calcium-binding EGF-like domains represent the majority of pathogenic missense changes associated with FBN1-related disorders (Collod-Beroud et al., 2003); In silico analysis supports that this missense variant has a deleterious effect on protein structure/function; This variant is associated with the following publications: (PMID: 16220557, 12938084, 31211626, 12402346)

Color Diagnostics, LLC DBA Color Health
Classification: Uncertain significance for Familial thoracic aortic aneurysm and aortic dissection. Last evaluated: 2020-06-09. Review status: criteria provided, single submitter. Criteria: ACMG Guidelines, 2015. Collection method: clinical testing. Allele origin: germline.
Comment: This missense variant replaces threonine with isoleucine at codon 1908 of the FBN1 protein. Computational prediction suggests that this variant may have deleterious impact on protein structure and function (internally defined REVEL score threshold >= 0.7, PMID: 27666373). To our knowledge, functional studies have not been reported for this variant. This variant has been reported in an individual affected with atypical Marfan syndrome, who had marfanoid facial appearance but no skeletal or ocular features (PMID: 12402346). Cardiological examination of this patient revealed mitral valve prolapse with regurgitation. This variant has been identified in 1/251042 chromosomes in the general population by the Genome Aggregation Database (gnomAD). The available evidence is insufficient to determine the role of this variant in disease conclusively. Therefore, this variant is classified as a Variant of Uncertain Significance.

Literature cited by the submitters: PubMed 12402346 (cited by Labcorp Genetics (formerly Invitae), Labcorp and All of Us Research Program, National Institutes of Health); PubMed 22772377 (cited by Labcorp Genetics (formerly Invitae), Labcorp); PubMed 31211626 (cited by Labcorp Genetics (formerly Invitae), Labcorp).

NM_000138.5(FBN1):c.5723C>T (p.Thr1908Ile)

Gene: FBN1 (fibrillin 1; minus strand). Cytogenetic location: 15q21.1.
Variant type: single nucleotide variant.
Coding change: c.5723C>T on transcript NM_000138.5 (MANE Select); coding-DNA position 5723, C replaced by T.
Protein change: p.Thr1908Ile; replaces threonine 1908 with isoleucine.
Molecular consequence: missense variant.
Genome position (GRCh38, 1-based): chr15:48,446,771, G>A on the plus strand (C>T on the coding strand, the complement: FBN1 is on the minus strand). VCF-style: chr15-48446771-G-A. GRCh37 (hg19) VCF-style: chr15-48738968-G-A.
Other names: short protein forms T1908I.
Identifiers: ClinVar variation 922756 (VCV000922756.6), dbSNP rs1304811982, ClinGen allele CA392341272.
Genomic context (GRCh38, chr15:48,446,771, plus strand): 5'-CAGTCATTGTTGTGAGAAAGGATGAAACCATGATTGCAGCGGCAGTTGAAGGAACCAATT[G>A]TGTTCCGGCAAGTTCCATTCCCACAGGCATCTCTTTCACATTCATTTATGTCTAGTAGGA-3'
Protein context (NP_000129.3, residues 1898-1918): DACGNGTCRN[Thr1908Ile]IGSFNCRCNH